The following is an entry in ClinVar:

ClinVar aggregate classification (germline): Uncertain significance (1 of 4 stars; one submission).

Submission:

GeneDx
Classification: Uncertain significance. Last evaluated: 2024-05-09. Review status: criteria provided, single submitter. Criteria: GeneDx Variant Classification Process June 2021. Collection method: clinical testing. Allele origin: germline. Affected: yes.
Comment: Not observed at significant frequency in large population cohorts (gnomAD); In silico analysis supports that this missense variant has a deleterious effect on protein structure/function; Has not been previously published as pathogenic or benign to our knowledge

NM_001286.5(CLCN6):c.284G>A (p.Gly95Asp)

Gene: CLCN6 (chloride voltage-gated channel 6; plus strand). Cytogenetic location: 1p36.22.
Variant type: single nucleotide variant.
Coding change: c.284G>A on transcript NM_001286.5 (MANE Select); coding-DNA position 284, G replaced by A.
Protein change: p.Gly95Asp; replaces glycine 95 with aspartic acid.
Molecular consequence: missense variant. On other transcripts: non-coding transcript variant (1).
Genome position (GRCh38, 1-based): chr1:11,819,492, G>A. VCF-style: chr1-11819492-G-A. GRCh37 (hg19) VCF-style: chr1-11879549-G-A.
Other names: c.218G>A, p.Gly73Asp (NM_001256959.2); short protein forms G73D, G95D.
Identifiers: ClinVar variation 3375700 (VCV003375700.1).
Genomic context (GRCh38, chr1:11,819,492, plus strand): 5'-ATACTTGTGCTACACTTGGAAATAAGGCTGTGTGACAGATCTCTTGCTCTTCACAGGTGG[G>A]TCTCTTTGTGGACTTTTTTGTGCGACTCTTCACCCAACTCAAGTTCGGAGTGGTACAGAC-3'
Protein context (NP_001277.2, residues 85-105): FAIGVCTGLV[Gly95Asp]LFVDFFVRLF